The following is an entry in ClinVar:

ClinVar aggregate classification (germline): Pathogenic. Review status: criteria provided, multiple submitters, no conflicts (2 of 4 stars). 3 submissions from 3 submitters: Pathogenic (3). Last evaluated 2024-10-31.

Conditions:
MED13L-related disorder. Also called: MED13L-related condition.
Cardiac anomalies - developmental delay - facial dysmorphism syndrome (MRFACD). Also called: Impaired intellectual development and distinctive facial features with or without cardiac defects; MED13L Syndrome. Identifiers: Orphanet 369891, MedGen C5192431, MONDO:0014773, OMIM 616789.

Submissions (3):

GeneDx
Classification: Pathogenic. Last evaluated: 2024-10-31. Review status: criteria provided, single submitter. Criteria: GeneDx Variant Classification Process June 2021. Collection method: clinical testing. Allele origin: germline. Affected: yes.
Comment: Nonsense variant predicted to result in protein truncation or nonsense mediated decay in a gene for which loss of function is a known mechanism of disease; Not observed at significant frequency in large population cohorts (gnomAD); This variant is associated with the following publications: (PMID: 33057194, 38081334, 35982159, 35806993, 26633542)

Blueprint Genetics
Classification: Pathogenic for MED13L-related disorders. Last evaluated: 2022-06-02. Review status: criteria provided, single submitter. Criteria: ACMG Guidelines, 2015. Collection method: clinical testing. Allele origin: de novo. Affected: yes. Observed: 1 variant allele.

Pediatric Department, Xiangya Hospital, Central South University
Classification: Pathogenic for Mental retardation and distinctive facial features with or without cardiac defects. Review status: criteria provided, single submitter. Criteria: ACMG Guidelines, 2015. Collection method: research. Allele origin: germline. Affected: yes.

NM_015335.5(MED13L):c.5698C>T (p.Arg1900Ter)

Gene: MED13L (mediator complex subunit 13L; minus strand). Cytogenetic location: 12q24.21.
Variant type: single nucleotide variant.
Coding change: c.5698C>T on transcript NM_015335.5 (MANE Select); coding-DNA position 5698, C replaced by T.
Protein change: p.Arg1900Ter; replaces arginine 1900 with a stop codon.
Molecular consequence: nonsense.
Genome position (GRCh38, 1-based): chr12:115,975,204, G>A on the plus strand (C>T on the coding strand, the complement: MED13L is on the minus strand). VCF-style: chr12-115975204-G-A. GRCh37 (hg19) VCF-style: chr12-116413009-G-A.
Other names: short protein forms R1900*.
Identifiers: ClinVar variation 984826 (VCV000984826.8), dbSNP rs1876853109, ClinGen allele CA386878171.